The following is an entry in ClinVar:

NM_000458.4(HNF1B):c.1535-177T>C

Gene: HNF1B (HNF1 homeobox B; minus strand). Cytogenetic location: 17q12.
Variant type: single nucleotide variant.
Coding change: c.1535-177T>C on transcript NM_000458.4 (MANE Select); 177 bases into the intron before coding-DNA position 1535, T replaced by C.
Molecular consequence: intron variant.
Genome position (GRCh38, 1-based): chr17:37,699,371, A>G on the plus strand (T>C on the coding strand, the complement: HNF1B is on the minus strand). VCF-style: chr17-37699371-A-G. GRCh37 (hg19) VCF-style: chr17-36059377-A-G.
Other names: c.1261+5546T>C (NM_001304286.2); c.1457-177T>C (NM_001165923.4).
Identifiers: ClinVar variation 676878 (VCV000676878.3), dbSNP rs2269841, ClinGen allele CA14420540.
Genomic context (GRCh38, chr17:37,699,371, plus strand): 5'-TTATAGTGGGGATTTCTCATATTAGTTATCCATAAGATTCATGTAAATTCCAAGTCACAT[A>G]ACCAACTCCCGAAAGCATGTGGATGCTTGGCTGTGAGGGAGAGACCACCTGCTCTCAGAA-3'

ClinVar aggregate classification (germline): Benign. Review status: criteria provided, multiple submitters, no conflicts (2 of 4 stars). 3 submissions from 3 submitters: Benign (3). Last evaluated 2018-06-14.

Conditions:
Maturity-onset diabetes of the young (MODY). Also called: Maturity onset diabetes mellitus in young. Identifiers: Orphanet 552, MedGen C0342276, MONDO:0018911, HP:0004904.

Allele frequency attached by ClinVar (database versions not stated): gnomAD 0.33774 and 0.34224; 1000 Genomes Project 0.34485; TOPMed 0.34524; 1000 Genomes Project 30x 0.35056.
gnomAD v4.1: 51,223 of 152,126 alleles (34%); highest among the groups gnomAD compares: African/African-American, 47%; 9,229 homozygotes.

Submissions (3):

GeneDx
Classification: Benign. Last evaluated: 2018-06-14. Review status: criteria provided, single submitter. Criteria: GeneDx Variant Classification (06012015). Collection method: clinical testing. Allele origin: germline. Affected: yes.
Comment: This variant is considered likely benign or benign based on one or more of the following criteria: it is a conservative change, it occurs at a poorly conserved position in the protein, it is predicted to be benign by multiple in silico algorithms, and/or has population frequency not consistent with disease.

Breakthrough Genomics
Classification: Benign. Review status: criteria provided, single submitter. Criteria: ACMG Guidelines, 2015. Collection method: not provided. Allele origin: germline. Inheritance: Autosomal dominant inheritance. Affected: yes.

Clinical Genomics, Uppaluri K&H Personalized Medicine Clinic
Classification: Benign for Maturity-onset diabetes of the young. Review status: criteria provided, single submitter. Criteria: K & H Uppaluri Personalized Medicine Clinic Variant Classification & Assertion Criteria_Updated V.1. Collection method: research. Allele origin: unknown. Inheritance: Autosomal dominant inheritance.
Comment: HNF1B gene mutations are associated with early onset diabetes and pancreatic atrophy. It is also associated with multiple renal manifestations including renal cysts, Tubulointerstitial disease, glomerulocystic disease, renal hypoplasia, hypomagnesemia. However no sufficient evidence is found to ascertain the role of this particular variant rs2269841, yet.

Literature cited by the submitters: PubMed 24897035 (cited by Clinical Genomics, Uppaluri K&H Personalized Medicine Clinic); PubMed 25536396 (cited by Clinical Genomics, Uppaluri K&H Personalized Medicine Clinic); PubMed 27615128 (cited by Clinical Genomics, Uppaluri K&H Personalized Medicine Clinic); PubMed 28215227 (cited by Clinical Genomics, Uppaluri K&H Personalized Medicine Clinic); PubMed 33434175 (cited by Clinical Genomics, Uppaluri K&H Personalized Medicine Clinic); PubMed 25741167 (cited by Clinical Genomics, Uppaluri K&H Personalized Medicine Clinic); PubMed 26340261 (cited by Clinical Genomics, Uppaluri K&H Personalized Medicine Clinic); PubMed 19639018 (cited by Clinical Genomics, Uppaluri K&H Personalized Medicine Clinic).